The following is an entry in ClinVar:

ClinVar aggregate classification (germline): Uncertain significance (1 of 4 stars; one submission).

Conditions:
Intellectual developmental disorder, autosomal dominant 1. Also called: MBD5 Haploinsufficiency; Intellectual disability, autosomal dominant 1. Identifiers: Orphanet 228402, MedGen C1969562, MONDO:0007974, OMIM 156200.

gnomAD v4.1: 5 of 1,613,580 alleles (0.00031%); highest among the groups gnomAD compares: Non-Finnish European, 0.00042%; no homozygotes.

Submission:

Labcorp Genetics (formerly Invitae), Labcorp
Classification: Uncertain significance for Intellectual developmental disorder, autosomal dominant 1. Last evaluated: 2024-06-03. Review status: criteria provided, single submitter. Criteria: Invitae Variant Classification Sherloc (09022015). Collection method: clinical testing. Allele origin: germline.
Comment: This sequence change replaces serine, which is neutral and polar, with asparagine, which is neutral and polar, at codon 127 of the MBD5 protein (p.Ser127Asn). This variant is not present in population databases (gnomAD no frequency). This variant has not been reported in the literature in individuals affected with MBD5-related conditions. Advanced modeling of protein sequence and biophysical properties (such as structural, functional, and spatial information, amino acid conservation, physicochemical variation, residue mobility, and thermodynamic stability) performed at Invitae indicates that this missense variant is not expected to disrupt MBD5 protein function with a negative predictive value of 80%. In summary, the available evidence is currently insufficient to determine the role of this variant in disease. Therefore, it has been classified as a Variant of Uncertain Significance.

NM_001378120.1(MBD5):c.380G>A (p.Ser127Asn)

Gene: MBD5 (methyl-CpG binding domain protein 5; plus strand). Cytogenetic location: 2q23.1.
Variant type: single nucleotide variant.
Coding change: c.380G>A on transcript NM_001378120.1 (MANE Select); coding-DNA position 380, G replaced by A.
Protein change: p.Ser127Asn; replaces serine 127 with asparagine.
Molecular consequence: missense variant.
Genome position (GRCh38, 1-based): chr2:148,463,902, G>A. VCF-style: chr2-148463902-G-A. GRCh37 (hg19) VCF-style: chr2-149221471-G-A.
Other names: c.380G>A, p.Ser127Asn (NM_018328.5); short protein forms S127N.
Identifiers: ClinVar variation 3648656 (VCV003648656.2).
Genomic context (GRCh38, chr2:148,463,902, plus strand): 5'-TTGCAGTGGCCACACTTCATAAAAGCATGGAAGCCCCACATCCTTCTCTGGTGCTCACCA[G>A]TCCCGGAGGAGGAACAAGTATGTAATATGGTGAAAGGTTCAGGAATTCTCCTCTCCCTAG-3'
Protein context (NP_001365049.1, residues 117-137): EAPHPSLVLT[Ser127Asn]PGGGTNATPV